The following is an entry in ClinVar:

ClinVar aggregate classification (germline): Benign (1 of 4 stars; one submission).

Allele frequency attached by ClinVar (database versions not stated): 1000 Genomes Project 30x 0.12086; 1000 Genomes Project 0.12181; TOPMed 0.13612; gnomAD 0.15313.

Submission:

Unidad de Genómica Garrahan, Hospital de Pediatría Garrahan
Classification: Benign. Last evaluated: 2024-07-15. Review status: criteria provided, single submitter. Criteria: ACMG Guidelines, 2015. Collection method: clinical testing. Allele origin: germline. Affected: no. Observed: 29 variant alleles.
Comment: This variant is classified as Benign based on local population frequency. This variant was detected in 31% of patients studied in a panel designed for Epileptic and Developmental Encephalopathy and Progressive Myoclonus Epilepsy. Number of patients: 29. Only high quality variants are reported.

NM_012301.4(MAGI2):c.2845+1802C>T

Gene: MAGI2 (membrane associated guanylate kinase, WW and PDZ domain containing 2; minus strand). Cytogenetic location: 7q21.11.
Variant type: single nucleotide variant.
Coding change: c.2845+1802C>T on transcript NM_012301.4 (MANE Select); 1802 bases into the intron after coding-DNA position 2845, C replaced by T.
Molecular consequence: intron variant.
Genome position (GRCh38, 1-based): chr7:78,158,223, G>A on the plus strand (C>T on the coding strand, the complement: MAGI2 is on the minus strand). VCF-style: chr7-78158223-G-A. GRCh37 (hg19) VCF-style: chr7-77787540-G-A.
Other names: c.2803+1802C>T (NM_001301128.2).
Identifiers: ClinVar variation 3255295 (VCV003255295.2), dbSNP rs75225360.